The following is an entry in ClinVar:

ClinVar aggregate classification (germline): Benign/Likely benign. Review status: criteria provided, multiple submitters, no conflicts (2 of 4 stars). 5 submissions from 5 submitters: Benign (1); Likely benign (4). Last evaluated 2025-05-17.

Conditions:
Hereditary cancer-predisposing syndrome. Also called: Tumor predisposition; Hereditary neoplastic syndrome; Neoplastic Syndromes, Hereditary; Hereditary Cancer Syndrome. Identifiers: Orphanet 140162, MedGen C0027672, MeSH D009386, MONDO:0015356.
Familial adenomatous polyposis 1 (FAP1). Also called: FAMILIAL ADENOMATOUS POLYPOSIS 1, ATTENUATED; POLYPOSIS, ADENOMATOUS INTESTINAL. Identifiers: MedGen C2713442, MONDO:0021056, OMIM 175100. Disease mechanism: loss of function.
Classic or attenuated familial adenomatous polyposis. Identifiers: MedGen CN372698, MONDO:0021057.

Allele frequency attached by ClinVar (database versions not stated): gnomAD exomes below 0.00001; TOPMed below 0.00001; gnomAD 0.00002.
gnomAD v4.1: 4 of 1,590,630 alleles (0.00025%); highest among the groups gnomAD compares: Non-Finnish European, 0.00035%; no homozygotes.

Submissions (5):

Labcorp Genetics (formerly Invitae), Labcorp
Classification: Likely benign for Familial adenomatous polyposis 1. Last evaluated: 2025-05-17. Review status: criteria provided, single submitter. Criteria: Invitae Variant Classification Sherloc (09022015). Collection method: clinical testing. Allele origin: germline.

Myriad Genetics, Inc.
Classification: Benign for Familial adenomatous polyposis 1. Last evaluated: 2024-02-22. Review status: criteria provided, single submitter. Criteria: Myriad Autosomal Dominant, Autosomal Recessive and X-Linked Classification Criteria (2023). Collection method: clinical testing. Allele origin: unknown.
Comment: This variant is considered benign. This variant is a silent/synonymous amino acid change and it is not expected to impact splicing.

All of Us Research Program, National Institutes of Health
Classification: Likely benign for Classic or attenuated familial adenomatous polyposis. Last evaluated: 2023-04-27. Review status: criteria provided, single submitter. Criteria: ACMG Guidelines, 2015. Collection method: clinical testing. Allele origin: germline. Inheritance: Autosomal dominant inheritance. Observed: 1 variant allele, 1 heterozygote.
Comment: This study involves interpretation of variants in research participants for the purpose of population health screening. Participant phenotype was not available at the time of variant classification. Additional details can be found in publication PMID: 35346344, PMCID: PMC8962531

Color Diagnostics, LLC DBA Color Health
Classification: Likely benign for Hereditary cancer-predisposing syndrome. Last evaluated: 2020-10-07. Review status: criteria provided, single submitter. Criteria: ACMG Guidelines, 2015. Collection method: clinical testing. Allele origin: germline.

Ambry Genetics
Classification: Likely benign for Hereditary cancer-predisposing syndrome. Last evaluated: 2018-12-20. Review status: criteria provided, single submitter. Criteria: Ambry Variant Classification Scheme 2023. Collection method: clinical testing. Allele origin: germline.

NM_000038.6(APC):c.138A>G (p.Glu46=)

Gene: APC (APC regulator of Wnt signaling pathway; plus strand). Cytogenetic location: 5q22.2.
Variant type: single nucleotide variant.
Coding change: c.138A>G on transcript NM_000038.6 (MANE Select); coding-DNA position 138, A replaced by G.
Protein change: p.Glu46=; no amino-acid change (glutamic acid 46 retained).
Molecular consequence: synonymous variant. On other transcripts: 5 prime UTR variant (4).
Genome position (GRCh38, 1-based): chr5:112,766,328, A>G. VCF-style: chr5-112766328-A-G. GRCh37 (hg19) VCF-style: chr5-112102025-A-G.
Other names: c.138A>G, p.Glu46= (NM_001127510.3, NM_001354895.2, NM_001354896.2 and 2 more transcripts); c.168A>G, p.Glu56= (NM_001127511.3, NM_001354897.2, NM_001354902.2); c.63A>G, p.Glu21= (NM_001354898.2, NM_001354904.2); c.-40A>G (NM_001354900.2, NM_001354901.2, NM_001354905.2); c.-898A>G (NM_001354906.2).
Identifiers: ClinVar variation 819087 (VCV000819087.11), dbSNP rs1429803547, ClinGen allele CA445752973.